The following is an entry in ClinVar:

ClinVar aggregate classification (germline): Uncertain significance (1 of 4 stars; one submission).

Submission:

Labcorp Genetics (formerly Invitae), Labcorp
Classification: Uncertain significance. Last evaluated: 2021-09-18. Review status: criteria provided, single submitter. Criteria: Invitae Variant Classification Sherloc (09022015). Collection method: clinical testing. Allele origin: germline.
Comment: This sequence change replaces alanine with valine at codon 443 of the KCNC3 protein (p.Ala443Val). The alanine residue is highly conserved and there is a small physicochemical difference between alanine and valine. This variant is not present in population databases (ExAC no frequency). This variant has not been reported in the literature in individuals affected with KCNC3-related conditions. Advanced modeling of protein sequence and biophysical properties (such as structural, functional, and spatial information, amino acid conservation, physicochemical variation, residue mobility, and thermodynamic stability) performed at Invitae indicates that this missense variant is expected to disrupt KCNC3 protein function. In summary, the available evidence is currently insufficient to determine the role of this variant in disease. Therefore, it has been classified as a Variant of Uncertain Significance.

NM_004977.3(KCNC3):c.1328C>T (p.Ala443Val)

Gene: KCNC3 (potassium voltage-gated channel subfamily C member 3; minus strand). Cytogenetic location: 19q13.33.
Variant type: single nucleotide variant.
Coding change: c.1328C>T on transcript NM_004977.3 (MANE Select); coding-DNA position 1328, C replaced by T.
Protein change: p.Ala443Val; replaces alanine 443 with valine.
Molecular consequence: missense variant.
Genome position (GRCh38, 1-based): chr19:50,323,625, G>A on the plus strand (C>T on the coding strand, the complement: KCNC3 is on the minus strand). VCF-style: chr19-50323625-G-A. GRCh37 (hg19) VCF-style: chr19-50826882-G-A.
Other names: c.1100C>T, p.Ala367Val (NM_001372305.1); short protein forms A443V, A367V.
Identifiers: ClinVar variation 1416861 (VCV001416861.1), dbSNP rs2123534782, ClinGen allele CA406951622.